The following is an entry in ClinVar:

ClinVar aggregate classification (germline): Uncertain significance (1 of 4 stars; one submission).

Conditions:
Hereditary cancer-predisposing syndrome. Also called: Neoplastic Syndromes, Hereditary; Tumor predisposition; Hereditary Cancer Syndrome; Hereditary neoplastic syndrome. Identifiers: Orphanet 140162, MedGen C0027672, MeSH D009386, MONDO:0015356.

Submission:

Ambry Genetics
Classification: Uncertain significance for Hereditary cancer-predisposing syndrome. Last evaluated: 2024-11-08. Review status: criteria provided, single submitter. Criteria: Ambry Variant Classification Scheme 2023. Collection method: clinical testing. Allele origin: germline.
Comment: The c.262delG variant, located in coding exon 2 of the POLD1 gene, results from a deletion of one nucleotide at nucleotide position 262, causing a translational frameshift with a predicted alternate stop codon (p.D88Tfs*81). This alteration is expected to result in protein truncation or nonsense-mediated mRNA decay. However, loss of function of POLD1 has not been established as a mechanism of disease. Based on the available evidence, the clinical significance of this alteration remains unclear.

NM_002691.4(POLD1):c.262del (p.Asp88fs)

Gene: POLD1 (DNA polymerase delta 1, catalytic subunit; plus strand). Cytogenetic location: 19q13.33.
Variant type: Deletion.
Coding change: c.262del on transcript NM_002691.4 (MANE Select); coding-DNA position 262, one base deleted (G; older notation c.262delG).
Protein change: p.Asp88fs; shifts the reading frame from aspartic acid 88.
Molecular consequence: frameshift variant. On other transcripts: non-coding transcript variant (1).
Genome position (GRCh38, 1-based): chr19:50,399,430, G deleted; the last of 2 consecutive G bases (chr19:50,399,429-50,399,430); deleting either gives the same sequence. VCF-style (leftmost placement, unchanged base first): chr19-50399428-TG-T. GRCh37 (hg19) VCF-style: chr19-50902685-TG-T.
Other names: c.262del, p.Asp88fs (NM_001256849.1, NM_001308632.1); short protein forms D88fs.
Identifiers: ClinVar variation 3421973 (VCV003421973.1).